The following is an entry in ClinVar:

ClinVar aggregate classification (germline): Uncertain significance (1 of 4 stars; one submission).

Conditions:
Arrhythmogenic right ventricular dysplasia 11. Also called: Arrhythmogenic right ventricular dysplasia 11 with mild palmoplantar keratoderma and woolly hair; Arrhythmogenic Right Ventricular Dysplasia/Cardiomyopathy11; ARRHYTHMOGENIC RIGHT VENTRICULAR DYSPLASIA, FAMILIAL, 11. Identifiers: MedGen C1864850, MONDO:0012506, OMIM 610476.

Submission:

Labcorp Genetics (formerly Invitae), Labcorp
Classification: Uncertain significance for Arrhythmogenic right ventricular dysplasia 11. Last evaluated: 2021-02-12. Review status: criteria provided, single submitter. Criteria: Invitae Variant Classification Sherloc (09022015). Collection method: clinical testing. Allele origin: germline.
Comment: A copy number gain of the genomic region encompassing the full coding sequence of the DSC2 gene has been identified. The boundaries of this event are unknown as they extend beyond the assayed region for this gene and therefore may encompass additional genes. As the precise location of this event is unknown, it may be in tandem or it may be located elsewhere in the genome. This variant has not been reported in the literature in individuals with DSC2-related conditions. In summary, the available evidence is currently insufficient to determine the role of this variant in disease. Therefore, it has been classified as a Variant of Uncertain Significance.

NC_000018.9:g.(?_28647961)_(28681954_?)dup

Gene: DSC2 (desmocollin 2; minus strand). Cytogenetic location: 18q12.1.
Variant type: Duplication.
Identifiers: ClinVar variation 1412391 (VCV001412391.1).